The following is an entry in ClinVar:

ClinVar aggregate classification (germline): Pathogenic (1 of 4 stars; one submission).

Conditions:
Neurofibromatosis, type 2 (SWNV). Also called: BILATERAL ACOUSTIC NEUROFIBROMATOSIS; SCHWANNOMATOSIS, VESTIBULAR; NF2-Related Schwannomatosis. Identifiers: Orphanet 637, MedGen C0027832, MONDO:0007039, OMIM 101000. Disease mechanism: loss of function.

Submission:

Labcorp Genetics (formerly Invitae), Labcorp
Classification: Pathogenic for Neurofibromatosis, type 2. Last evaluated: 2024-02-22. Review status: criteria provided, single submitter. Criteria: Invitae Variant Classification Sherloc (09022015). Collection method: clinical testing. Allele origin: germline.
Comment: This sequence change creates a premature translational stop signal (p.Ala145Glyfs*7) in the NF2 gene. It is expected to result in an absent or disrupted protein product. Loss-of-function variants in NF2 are known to be pathogenic (PMID: 9643284, 16983642). This variant is not present in population databases (gnomAD no frequency). This variant has not been reported in the literature in individuals affected with NF2-related conditions. For these reasons, this variant has been classified as Pathogenic.

Literature cited by the submitters: PubMed 9643284; PubMed 16983642.

NM_000268.4(NF2):c.434_435del (p.Ala145fs)

Gene: NF2 (NF2, moesin-ezrin-radixin like (MERLIN) tumor suppressor; plus strand). Cytogenetic location: 22q12.2.
Variant type: Deletion.
Coding change: c.434_435del on transcript NM_000268.4 (MANE Select); coding-DNA positions 434 to 435, 2 bases deleted (CC; older notation c.434_435delCC).
Protein change: p.Ala145fs; shifts the reading frame from alanine 145.
Molecular consequence: frameshift variant. On other transcripts: 5 prime UTR variant (1), non-coding transcript variant (1).
Genome position (GRCh38, 1-based): chr22:29,642,272-29,642,273, CC deleted. VCF-style (leftmost placement, unchanged base first): chr22-29642271-GCC-G. GRCh37 (hg19) VCF-style: chr22-30038260-GCC-G.
Other names: c.185_186del, p.Ala62fs (NM_001407063.1, NM_001407064.1, NM_181830.3 and 1 more transcripts); c.-207_-206del (NM_001407065.1); c.434_435del, p.Ala145fs (NM_001407066.1, NM_016418.5, NM_181825.3 and 5 more transcripts); c.203_204del, p.Ala68fs (NM_001407067.1); c.308_309del, p.Ala103fs (NM_181828.3, NM_001407055.1); c.311_312del, p.Ala104fs (NM_181829.3, NM_001407054.1, NM_001407058.1 and 1 more transcripts); c.320_321del, p.Ala107fs (NM_001407053.1, NM_001407056.1); short protein forms A103fs, A107fs, A62fs, A104fs, A145fs, A68fs.
Identifiers: ClinVar variation 3642429 (VCV003642429.2).